The following is an entry in ClinVar:

ClinVar aggregate classification (germline): Uncertain significance (1 of 4 stars; one submission).

Allele frequency attached by ClinVar (database versions not stated): ExAC 0.00001; gnomAD 0.00001.
gnomAD v4.1: 5 of 1,613,878 alleles (0.00031%); highest among the groups gnomAD compares: Admixed American, 0.0033%; no homozygotes.

Submission:

GeneDx
Classification: Uncertain significance. Last evaluated: 2019-12-06. Review status: criteria provided, single submitter. Criteria: GeneDx Variant Classification Process June 2021. Collection method: clinical testing. Allele origin: germline. Affected: yes.
Comment: In silico analysis, which includes protein predictors and evolutionary conservation, supports a deleterious effect; Has not been previously published as pathogenic or benign to our knowledge

NM_015335.5(MED13L):c.3268C>T (p.Arg1090Trp)

Gene: MED13L (mediator complex subunit 13L; minus strand). Cytogenetic location: 12q24.21.
Variant type: single nucleotide variant.
Coding change: c.3268C>T on transcript NM_015335.5 (MANE Select); coding-DNA position 3268, C replaced by T.
Protein change: p.Arg1090Trp; replaces arginine 1090 with tryptophan.
Molecular consequence: missense variant.
Genome position (GRCh38, 1-based): chr12:115,991,686, G>A on the plus strand (C>T on the coding strand, the complement: MED13L is on the minus strand). VCF-style: chr12-115991686-G-A. GRCh37 (hg19) VCF-style: chr12-116429491-G-A.
Other names: short protein forms R1090W.
Identifiers: ClinVar variation 1310692 (VCV001310692.2), dbSNP rs762410081, ClinGen allele CA6811003.